The following is an entry in ClinVar:

ClinVar aggregate classification (germline): Uncertain significance (1 of 4 stars; one submission).

Conditions:
Hereditary hemorrhagic telangiectasia (HHT). Also called: ORW DISEASE; Osler Weber Rendu syndrome; OSLER-RENDU-WEBER DISEASE; Osler hemorrhagic telangiectasia syndrome. Identifiers: Orphanet 774, MedGen C0039445, MONDO:0019180. Disease mechanism: loss of function.

Allele frequency attached by ClinVar (database versions not stated): gnomAD exomes 0.00002; gnomAD 0.00003; TOPMed 0.00003.
gnomAD v4.1: 38 of 1,492,250 alleles (0.0025%); highest among the groups gnomAD compares: South Asian, 0.0074%; no homozygotes.

Submission:

Labcorp Genetics (formerly Invitae), Labcorp
Classification: Uncertain significance for Hereditary hemorrhagic telangiectasia. Last evaluated: 2023-12-05. Review status: criteria provided, single submitter. Criteria: Invitae Variant Classification Sherloc (09022015). Collection method: clinical testing. Allele origin: germline.
Comment: This variant occurs in a non-coding region of the ENG gene. It does not change the encoded amino acid sequence of the ENG protein. This variant is present in population databases (no rsID available, gnomAD 0.007%). This variant has not been reported in the literature in individuals affected with ENG-related conditions. ClinVar contains an entry for this variant (Variation ID: 2418799). Experimental studies and prediction algorithms are not available or were not evaluated, and the functional significance of this variant is currently unknown. In summary, the available evidence is currently insufficient to determine the role of this variant in disease. Therefore, it has been classified as a Variant of Uncertain Significance.

NM_001114753.3(ENG):c.-75G>A

Gene: ENG (endoglin; minus strand). Cytogenetic location: 9q34.11.
Variant type: single nucleotide variant.
Coding change: c.-75G>A on transcript NM_001114753.3 (MANE Select); 75 bases upstream of the start codon, G replaced by A.
Molecular consequence: 5 prime UTR variant.
Genome position (GRCh38, 1-based): chr9:127,854,430, C>T on the plus strand (G>A on the coding strand, the complement: ENG is on the minus strand). VCF-style: chr9-127854430-C-T. GRCh37 (hg19) VCF-style: chr9-130616709-C-T.
Other names: c.-75G>A (NM_000118.4, NM_001406715.1).
Identifiers: ClinVar variation 2418799 (VCV002418799.6), dbSNP rs1444403294, ClinGen allele CA590606787.
Genomic context (GRCh38, chr9:127,854,430, plus strand): 5'-GGCCTGTGCGCTGGGCCTTATCCTGTGTCCAGTGGCAGGGCTGCGGGCGGGCACCGGGGC[C>T]GGCGTGGGCTCGCACGGGGACCCGAGGGGAGCAGGCGGCCGGAGCGACGGCGTCCCTGCT-3'